The following is an entry in ClinVar:

ClinVar aggregate classification (germline): Benign/Likely benign. Review status: criteria provided, multiple submitters, no conflicts (2 of 4 stars). 3 submissions from 3 submitters: Benign (1); Likely benign (2). Last evaluated 2025-11-05.

Conditions:
Hereditary cancer-predisposing syndrome. Also called: Neoplastic Syndromes, Hereditary; Hereditary Cancer Syndrome; Tumor predisposition; Hereditary neoplastic syndrome. Identifiers: Orphanet 140162, MedGen C0027672, MeSH D009386, MONDO:0015356.
Familial cancer of breast. Also called: hereditary breast carcinoma; Hereditary breast cancer; BREAST CANCER, FAMILIAL. Identifiers: Orphanet 227535, MedGen C0346153, MONDO:0016419, OMIM 114480. Disease mechanism: loss of function.

Submissions (3):

Labcorp Genetics (formerly Invitae), Labcorp
Classification: Likely benign for Familial cancer of breast. Last evaluated: 2025-11-05. Review status: criteria provided, single submitter. Criteria: Invitae Variant Classification Sherloc (09022015). Collection method: clinical testing. Allele origin: germline.

Myriad Genetics, Inc.
Classification: Benign for Familial cancer of breast. Last evaluated: 2024-07-23. Review status: criteria provided, single submitter. Criteria: Myriad Autosomal Dominant, Autosomal Recessive and X-Linked Classification Criteria (2023). Collection method: clinical testing. Allele origin: unknown.
Comment: This variant is considered benign. This variant is a silent/synonymous amino acid change and it is not expected to impact splicing.

Ambry Genetics
Classification: Likely benign for Hereditary cancer-predisposing syndrome. Last evaluated: 2020-07-03. Review status: criteria provided, single submitter. Criteria: Ambry Variant Classification Scheme 2023. Collection method: clinical testing. Allele origin: germline.

NM_000465.4(BARD1):c.885T>C (p.Asn295=)

Gene: BARD1 (BRCA1 associated RING domain 1; minus strand). Cytogenetic location: 2q35.
Variant type: single nucleotide variant.
Coding change: c.885T>C on transcript NM_000465.4 (MANE Select); coding-DNA position 885, T replaced by C.
Protein change: p.Asn295=; no amino-acid change (asparagine 295 retained).
Molecular consequence: synonymous variant. On other transcripts: non-coding transcript variant (2), intron variant (3).
Genome position (GRCh38, 1-based): chr2:214,780,989, A>G on the plus strand (T>C on the coding strand, the complement: BARD1 is on the minus strand). VCF-style: chr2-214780989-A-G. GRCh37 (hg19) VCF-style: chr2-215645713-A-G.
Other names: c.828T>C, p.Asn276= (NM_001282543.2); c.158+28423T>C (NM_001282548.2); c.215+16072T>C (NM_001282545.2); c.364+11308T>C (NM_001282549.2).
Identifiers: ClinVar variation 1133297 (VCV001133297.14), dbSNP rs1433418104, ClinGen allele CA431391764.